The following is an entry in ClinVar:

ClinVar aggregate classification (germline): Likely benign (1 of 4 stars; one submission).

Allele frequency attached by ClinVar (database versions not stated): gnomAD exomes 0.00005 and 0.00006; gnomAD 0.00006 and 0.00007; ExAC 0.00008; ESP Exome Variant Server 0.00019.

Submission:

GeneDx
Classification: Likely benign. Last evaluated: 2016-04-22. Review status: criteria provided, single submitter. Criteria: GeneDx Variant Classification (06012015). Collection method: clinical testing. Allele origin: germline. Affected: yes.
Comment: This variant is considered likely benign or benign based on one or more of the following criteria: it is a conservative change, it occurs at a poorly conserved position in the protein, it is predicted to be benign by multiple in silico algorithms, and/or has population frequency not consistent with disease.

NM_006579.3(EBP):c.-19G>A

Gene: EBP (EBP cholestenol delta-isomerase; plus strand). Cytogenetic location: Xp11.23.
Variant type: single nucleotide variant.
Coding change: c.-19G>A on transcript NM_006579.3 (MANE Select); 19 bases upstream of the start codon, G replaced by A.
Molecular consequence: 5 prime UTR variant.
Genome position (GRCh38, 1-based): chrX:48,523,753, G>A. VCF-style: chrX-48523753-G-A. GRCh37 (hg19) VCF-style: chrX-48382141-G-A.
Identifiers: ClinVar variation 385663 (VCV000385663.1), dbSNP rs374851890, ClinGen allele CA10402959.
Genomic context (GRCh38, chrX:48,523,753, plus strand): 5'-GTCCAGGTTTTTCTGTTCCTTTTTTTTTTTTTTTTTTAACTTCCTGCCTATACACACGCA[G>A]CCATCAGCCCACAAAGACATGACTACCAACGCGGGCCCCTTGCACCCATACTGGCCTCAG-3'